The following is an entry in ClinVar:

NM_001851.6(COL9A1):c.2618G>A (p.Arg873Gln)

Gene: COL9A1 (collagen type IX alpha 1 chain; minus strand). Cytogenetic location: 6q13.
Variant type: single nucleotide variant.
Coding change: c.2618G>A on transcript NM_001851.6 (MANE Select); coding-DNA position 2618, G replaced by A.
Protein change: p.Arg873Gln; replaces arginine 873 with glutamine.
Molecular consequence: missense variant. On other transcripts: non-coding transcript variant (1).
Genome position (GRCh38, 1-based): chr6:70,217,045, C>T on the plus strand (G>A on the coding strand, the complement: COL9A1 is on the minus strand). VCF-style: chr6-70217045-C-T. GRCh37 (hg19) VCF-style: chr6-70926748-C-T.
Other names: c.1919G>A, p.Arg640Gln (NM_001377289.1); c.1742G>A, p.Arg581Gln (NM_001377290.1); c.1889G>A, p.Arg630Gln (NM_078485.4); c.2618G>A (NM_001851.4); short protein forms R640Q, R873Q, R581Q, R630Q.
Identifiers: ClinVar variation 2188591 (VCV002188591.2), dbSNP rs201520437, ClinGen allele CA3881709.

ClinVar aggregate classification (germline): Uncertain significance. Review status: criteria provided, multiple submitters, no conflicts (2 of 4 stars). 2 submissions from 2 submitters: Uncertain significance (2). Last evaluated 2024-01-11.

Allele frequency attached by ClinVar (database versions not stated): gnomAD 0.00003; 1000 Genomes Project 30x 0.00016; 1000 Genomes Project 0.00020.
gnomAD v4.1: 37 of 1,614,192 alleles (0.0023%); highest among the groups gnomAD compares: East Asian, 0.0045%; no homozygotes.

Submissions (2):

GeneDx
Classification: Uncertain significance. Last evaluated: 2024-01-11. Review status: criteria provided, single submitter. Criteria: GeneDx Variant Classification Process June 2021. Collection method: clinical testing. Allele origin: germline. Affected: yes.
Comment: Not observed at significant frequency in large population cohorts (gnomAD); In silico analysis supports that this missense variant does not alter protein structure/function; Has not been previously published as pathogenic or benign to our knowledge

Labcorp Genetics (formerly Invitae), Labcorp
Classification: Uncertain significance. Last evaluated: 2022-10-04. Review status: criteria provided, single submitter. Criteria: Invitae Variant Classification Sherloc (09022015). Collection method: clinical testing. Allele origin: germline.
Comment: This sequence change replaces arginine, which is basic and polar, with glutamine, which is neutral and polar, at codon 873 of the COL9A1 protein (p.Arg873Gln). This variant is present in population databases (rs201520437, gnomAD 0.004%). This variant has not been reported in the literature in individuals affected with COL9A1-related conditions. Advanced modeling of protein sequence and biophysical properties (such as structural, functional, and spatial information, amino acid conservation, physicochemical variation, residue mobility, and thermodynamic stability) performed at Invitae indicates that this missense variant is not expected to disrupt COL9A1 protein function. In summary, the available evidence is currently insufficient to determine the role of this variant in disease. Therefore, it has been classified as a Variant of Uncertain Significance.